The following is an entry in ClinVar:

ClinVar aggregate classification (germline): Likely benign. Review status: criteria provided, multiple submitters, no conflicts (2 of 4 stars). 2 submissions from 2 submitters: Likely benign (2). Last evaluated 2025-05-05.

Conditions:
Peutz-Jeghers syndrome (PJS). Also called: Peutz-Jeghers polyposis; Periorificial lentiginosis syndrome; POLYPOSIS, HAMARTOMATOUS INTESTINAL; POLYPS-AND-SPOTS SYNDROME. Identifiers: Orphanet 2869, MedGen C0031269, MeSH D010580, MONDO:0008280, OMIM 175200.

Allele frequency attached by ClinVar (database versions not stated): gnomAD exomes 0.00001; gnomAD 0.00002; ExAC 0.00009.
gnomAD v4.1: 15 of 1,530,524 alleles (0.00098%); highest among the groups gnomAD compares: South Asian, 0.017%; 1 homozygote.

Submissions (2):

Labcorp Genetics (formerly Invitae), Labcorp
Classification: Likely benign for Peutz-Jeghers syndrome. Last evaluated: 2025-05-05. Review status: criteria provided, single submitter. Criteria: Invitae Variant Classification Sherloc (09022015). Collection method: clinical testing. Allele origin: germline.

Myriad Genetics, Inc.
Classification: Likely benign for Peutz-Jeghers syndrome. Last evaluated: 2025-03-28. Review status: criteria provided, single submitter. Criteria: Myriad Autosomal Dominant, Autosomal Recessive and X-Linked Classification Criteria (2023). Collection method: clinical testing. Allele origin: unknown.
Comment: This variant is considered likely benign. This variant is intronic and is not expected to impact mRNA splicing.

NM_000455.5(STK11):c.921-19T>C

Gene: STK11 (serine/threonine kinase 11; plus strand). Cytogenetic location: 19p13.3.
Variant type: single nucleotide variant.
Coding change: c.921-19T>C on transcript NM_000455.5 (MANE Select); 19 bases into the intron before coding-DNA position 921, T replaced by C.
Molecular consequence: intron variant.
Genome position (GRCh38, 1-based): chr19:1,222,966, T>C. VCF-style: chr19-1222966-T-C. GRCh37 (hg19) VCF-style: chr19-1222965-T-C.
Identifiers: ClinVar variation 1553875 (VCV001553875.9), dbSNP rs763847001, ClinGen allele CA049650.